The following is an entry in ClinVar:

NM_015602.4(TOR1AIP1):c.554-4_554-1delinsAC

Gene: TOR1AIP1 (torsin 1A interacting protein 1; plus strand). Cytogenetic location: 1q25.2.
Variant type: Indel.
Coding change: c.554-4_554-1delinsAC on transcript NM_015602.4 (MANE Select); 4 bases into the intron before coding-DNA position 554 through the canonical splice acceptor site of the intron before coding-DNA position 554, GCAG replaced by AC.
Molecular consequence: splice acceptor variant.
Genome position (GRCh38, 1-based): chr1:179,889,309-179,889,312, GCAG replaced by AC. VCF-style: chr1-179889309-GCAG-AC. GRCh37 (hg19) VCF-style: chr1-179858444-GCAG-AC.
Other names: c.554-1_556delinsAC (NM_001267578.2).
Identifiers: ClinVar variation 952016 (VCV000952016.5), dbSNP rs1647993845, ClinGen allele CA1139656430.
Genomic context (GRCh38, chr1:179,889,309, plus strand): 5'-TAATAAAGCTAGTATGTTTCACATTTTATATATTTTTAAATGTTTTCTCTTCCTATATTA[GCAG>AC]TGAGTGAAGATCTTGTAATCAGGTTACGTCGACCCCCTCTAAGATACCCAAGATATGGTA-3'

ClinVar aggregate classification (germline): Likely pathogenic (1 of 4 stars; one submission).

Conditions:
Autosomal recessive limb-girdle muscular dystrophy type 2Y (MRRSDC). Also called: Muscular dystrophy, autosomal recessive, with rigid spine and distal joint contractures; Muscular dystrophy, limb-girdle, type 2y. Identifiers: Orphanet 424261, MedGen C4511482, MONDO:0014900, OMIM 617072.

Submission:

Labcorp Genetics (formerly Invitae), Labcorp
Classification: Likely pathogenic for Autosomal recessive limb-girdle muscular dystrophy type 2Y. Last evaluated: 2022-11-24. Review status: criteria provided, single submitter. Criteria: Invitae Variant Classification Sherloc (09022015). Collection method: clinical testing. Allele origin: germline.
Comment: Algorithms developed to predict the effect of sequence changes on RNA splicing suggest that this variant may disrupt the consensus splice site. In summary, the currently available evidence indicates that the variant is pathogenic, but additional data are needed to prove that conclusively. Therefore, this variant has been classified as Likely Pathogenic. This variant has not been reported in the literature in individuals affected with TOR1AIP1-related conditions. This variant results in the deletion of part of exon 3 (c.554-1_556delinsAC) of the TOR1AIP1 gene. It is expected to disrupt RNA splicing. Variants that disrupt the donor or acceptor splice site typically lead to a loss of protein function (PMID: 16199547), and loss-of-function variants in TOR1AIP1 are known to be pathogenic (PMID: 24856141, 27342937). This variant is present in population databases (no rsID available, gnomAD 0.003%).

Literature cited by the submitters: PubMed 16199547; PubMed 24856141; PubMed 27342937.